The following is an entry in ClinVar:

ClinVar aggregate classification (germline): Uncertain significance. Review status: criteria provided, multiple submitters, no conflicts (2 of 4 stars). 3 submissions from 3 submitters: Uncertain significance (3). Last evaluated 2023-04-11.

Conditions:
Developmental and epileptic encephalopathy, 18 (DEE18). Also called: Early infantile epileptic encephalopathy 18. Identifiers: Orphanet 369894, MedGen C3809624, MONDO:0014201, OMIM 615476.

Allele frequency attached by ClinVar (database versions not stated): TOPMed 0.00001; gnomAD exomes 0.00002 and 0.00003; ExAC 0.00003.
gnomAD v4.1: 11 of 1,614,000 alleles (0.00068%); highest among the groups gnomAD compares: Admixed American, 0.013%; no homozygotes.

Submissions (3):

Genome-Nilou Lab
Classification: Uncertain significance for Developmental and epileptic encephalopathy, 18. Last evaluated: 2023-04-11. Review status: criteria provided, single submitter. Criteria: ACMG Guidelines, 2015. Collection method: clinical testing. Allele origin: germline. Affected: no.

Labcorp Genetics (formerly Invitae), Labcorp
Classification: Uncertain significance. Last evaluated: 2022-09-01. Review status: criteria provided, single submitter. Criteria: Invitae Variant Classification Sherloc (09022015). Collection method: clinical testing. Allele origin: germline.
Comment: This sequence change replaces threonine, which is neutral and polar, with arginine, which is basic and polar, at codon 2341 of the SZT2 protein (p.Thr2341Arg). This variant is present in population databases (rs761399327, gnomAD 0.02%). This variant has not been reported in the literature in individuals affected with SZT2-related conditions. ClinVar contains an entry for this variant (Variation ID: 857565). Algorithms developed to predict the effect of missense changes on protein structure and function (SIFT, PolyPhen-2, Align-GVGD) all suggest that this variant is likely to be tolerated. Algorithms developed to predict the effect of sequence changes on RNA splicing suggest that this variant may create or strengthen a splice site. In summary, the available evidence is currently insufficient to determine the role of this variant in disease. Therefore, it has been classified as a Variant of Uncertain Significance.

GeneDx
Classification: Uncertain significance. Last evaluated: 2022-03-18. Review status: criteria provided, single submitter. Criteria: GeneDx Variant Classification Process June 2021. Collection method: clinical testing. Allele origin: germline. Affected: yes.
Comment: In silico analysis supports that this missense variant does not alter protein structure/function; Has not been previously published as pathogenic or benign to our knowledge

NM_001365999.1(SZT2):c.7193C>G (p.Thr2398Arg)

Gene: SZT2 (SZT2 subunit of KICSTOR complex; plus strand). Cytogenetic location: 1p34.2.
Variant type: single nucleotide variant.
Coding change: c.7193C>G on transcript NM_001365999.1 (MANE Select); coding-DNA position 7193, C replaced by G.
Protein change: p.Thr2398Arg; replaces threonine 2398 with arginine.
Molecular consequence: missense variant.
Genome position (GRCh38, 1-based): chr1:43,440,031, C>G. VCF-style: chr1-43440031-C-G. GRCh37 (hg19) VCF-style: chr1-43905702-C-G.
Other names: c.7022C>G, p.Thr2341Arg (NM_015284.4); short protein forms T2341R, T2398R.
Identifiers: ClinVar variation 857565 (VCV000857565.9), dbSNP rs761399327, ClinGen allele CA810133.